The following is an entry in ClinVar:

NM_021973.3(HAND2):c.217G>A (p.Ala73Thr)

Genes: HAND2 (heart and neural crest derivatives expressed 2; minus strand), HAND2-AS1 (HAND2 antisense RNA 1; plus strand). Cytogenetic location: 4q34.1.
Variant type: single nucleotide variant.
Coding change: c.217G>A on transcript NM_021973.3 (MANE Select); coding-DNA position 217, G replaced by A.
Protein change: p.Ala73Thr; replaces alanine 73 with threonine.
Molecular consequence: missense variant.
Genome position (GRCh38, 1-based): chr4:173,529,073, C>T on the plus strand (G>A on the coding strand, the complement: HAND2 is on the minus strand). VCF-style: chr4-173529073-C-T. GRCh37 (hg19) VCF-style: chr4-174450224-C-T.
Other names: short protein forms A73T.
Identifiers: ClinVar variation 3618859 (VCV003618859.2).

ClinVar aggregate classification (germline): Uncertain significance (1 of 4 stars; one submission).

gnomAD v4.1: 9 of 1,502,610 alleles (0.0006%); highest among the groups gnomAD compares: South Asian, 0.0041%; no homozygotes.

Submission:

Labcorp Genetics (formerly Invitae), Labcorp
Classification: Uncertain significance. Last evaluated: 2024-08-06. Review status: criteria provided, single submitter. Criteria: Invitae Variant Classification Sherloc (09022015). Collection method: clinical testing. Allele origin: germline.
Comment: This sequence change replaces alanine, which is neutral and non-polar, with threonine, which is neutral and polar, at codon 73 of the HAND2 protein (p.Ala73Thr). The frequency data for this variant in the population databases is considered unreliable, as metrics indicate poor data quality at this position in the gnomAD database. This variant has not been reported in the literature in individuals affected with HAND2-related conditions. An algorithm developed to predict the effect of missense changes on protein structure and function (PolyPhen-2) suggests that this variant is likely to be tolerated. In summary, the available evidence is currently insufficient to determine the role of this variant in disease. Therefore, it has been classified as a Variant of Uncertain Significance.